The following is an entry in ClinVar:

ClinVar aggregate classification (germline): Benign/Likely benign. Review status: criteria provided, multiple submitters, no conflicts (2 of 4 stars). 4 submissions from 4 submitters: Benign (1); Likely benign (3). Last evaluated 2024-08-09.

Conditions:
Hereditary cancer-predisposing syndrome. Also called: Neoplastic Syndromes, Hereditary; Hereditary Cancer Syndrome; Hereditary neoplastic syndrome; Tumor predisposition. Identifiers: Orphanet 140162, MedGen C0027672, MeSH D009386, MONDO:0015356.
Fanconi anemia complementation group J. Also called: BRIP1-Related Fanconi Anemia. Identifiers: Orphanet 84, MedGen C1836860, MONDO:0012187, OMIM 609054.
Familial cancer of breast. Also called: hereditary breast carcinoma; BREAST CANCER, FAMILIAL; Hereditary breast cancer. Identifiers: Orphanet 227535, MedGen C0346153, MONDO:0016419, OMIM 114480. Disease mechanism: loss of function.

Allele frequency attached by ClinVar (database versions not stated): gnomAD exomes below 0.00001.
gnomAD v4.1: 1 of 1,613,438 alleles (0.000062%); highest among the groups gnomAD compares: Non-Finnish European, 0.000085%; no homozygotes.

Submissions (4):

Myriad Genetics, Inc.
Classification: Benign for Familial cancer of breast. Last evaluated: 2024-08-09. Review status: criteria provided, single submitter. Criteria: Myriad Autosomal Dominant, Autosomal Recessive and X-Linked Classification Criteria (2023). Collection method: clinical testing. Allele origin: unknown.
Comment: This variant is considered benign. This variant is a silent/synonymous amino acid change and it is not expected to impact splicing.

Labcorp Genetics (formerly Invitae), Labcorp
Classification: Likely benign for Familial cancer of breast; Fanconi anemia complementation group J. Last evaluated: 2024-01-03. Review status: criteria provided, single submitter. Criteria: Invitae Variant Classification Sherloc (09022015). Collection method: clinical testing. Allele origin: germline.

Color Diagnostics, LLC DBA Color Health
Classification: Likely benign for Hereditary cancer-predisposing syndrome. Last evaluated: 2020-07-13. Review status: criteria provided, single submitter. Criteria: ACMG Guidelines, 2015. Collection method: clinical testing. Allele origin: germline.

Ambry Genetics
Classification: Likely benign for Hereditary cancer-predisposing syndrome. Last evaluated: 2019-07-04. Review status: criteria provided, single submitter. Criteria: Ambry Variant Classification Scheme 2023. Collection method: clinical testing. Allele origin: germline.

NM_032043.3(BRIP1):c.48C>T (p.Tyr16=)

Gene: BRIP1 (BRCA1 interacting DNA helicase 1; minus strand). Cytogenetic location: 17q23.2.
Variant type: single nucleotide variant.
Coding change: c.48C>T on transcript NM_032043.3 (MANE Select); coding-DNA position 48, C replaced by T.
Protein change: p.Tyr16=; no amino-acid change (tyrosine 16 retained).
Molecular consequence: synonymous variant.
Genome position (GRCh38, 1-based): chr17:61,861,492, G>A on the plus strand (C>T on the coding strand, the complement: BRIP1 is on the minus strand). VCF-style: chr17-61861492-G-A. GRCh37 (hg19) VCF-style: chr17-59938853-G-A.
Identifiers: ClinVar variation 825272 (VCV000825272.10), dbSNP rs1603368466, ClinGen allele CA501151880.